The following is an entry in ClinVar:

ClinVar aggregate classification (germline): Uncertain significance (1 of 4 stars; one submission).

Conditions:
Hereditary cancer-predisposing syndrome. Also called: Tumor predisposition; Hereditary Cancer Syndrome; Hereditary neoplastic syndrome; Neoplastic Syndromes, Hereditary. Identifiers: Orphanet 140162, MedGen C0027672, MeSH D009386, MONDO:0015356.

Submission:

Ambry Genetics
Classification: Uncertain significance for Hereditary cancer-predisposing syndrome. Last evaluated: 2023-08-28. Review status: criteria provided, single submitter. Criteria: Ambry Variant Classification Scheme 2023. Collection method: clinical testing. Allele origin: germline.
Comment: The p.L881F variant (also known as c.2643G>C), located in coding exon 18 of the BRIP1 gene, results from a G to C substitution at nucleotide position 2643. The leucine at codon 881 is replaced by phenylalanine, an amino acid with highly similar properties. This amino acid position is conserved. In addition, the in silico prediction for this alteration is inconclusive. Since supporting evidence is limited at this time, the clinical significance of this alteration remains unclear.

NM_032043.3(BRIP1):c.2643G>C (p.Leu881Phe)

Gene: BRIP1 (BRCA1 interacting DNA helicase 1; minus strand). Cytogenetic location: 17q23.2.
Variant type: single nucleotide variant.
Coding change: c.2643G>C on transcript NM_032043.3 (MANE Select); coding-DNA position 2643, G replaced by C.
Protein change: p.Leu881Phe; replaces leucine 881 with phenylalanine.
Molecular consequence: missense variant.
Genome position (GRCh38, 1-based): chr17:61,686,098, C>G on the plus strand (G>C on the coding strand, the complement: BRIP1 is on the minus strand). VCF-style: chr17-61686098-C-G. GRCh37 (hg19) VCF-style: chr17-59763459-C-G.
Other names: short protein forms L881F.
Identifiers: ClinVar variation 2626394 (VCV002626394.2), dbSNP rs2144116635, ClinGen allele CA400481879.